The following is an entry in ClinVar:

NM_000165.5(GJA1):c.604C>T (p.Arg202Cys)

Gene: GJA1 (gap junction protein alpha 1; plus strand). Cytogenetic location: 6q22.31.
Variant type: single nucleotide variant.
Coding change: c.604C>T on transcript NM_000165.5 (MANE Select); coding-DNA position 604, C replaced by T.
Protein change: p.Arg202Cys; replaces arginine 202 with cysteine.
Molecular consequence: missense variant.
Genome position (GRCh38, 1-based): chr6:121,447,451, C>T. VCF-style: chr6-121447451-C-T. GRCh37 (hg19) VCF-style: chr6-121768597-C-T.
Other names: c.604C>T (NM_000165.4); short protein forms R202C.
Identifiers: ClinVar variation 521097 (VCV000521097.5), dbSNP rs765192739, ClinGen allele CA3981711.

ClinVar aggregate classification (germline): Conflicting classifications of pathogenicity. Review status: criteria provided, conflicting classifications (1 of 4 stars). 2 submissions from 2 submitters: Likely pathogenic (1); Uncertain significance (1). Last evaluated 2023-03-02.

Conditions:
GJA1-related disorder. Also called: GJA1-related condition.
Inborn genetic diseases. Identifiers: MedGen C0950123, MeSH D030342.

Allele frequency attached by ClinVar (database versions not stated): gnomAD exomes below 0.00001; ExAC 0.00001.

Submissions (2):

PreventionGenetics, part of Exact Sciences
Classification: Uncertain significance for GJA1-related condition. Last evaluated: 2023-03-02. Review status: criteria provided, single submitter. Criteria: ACMG Guidelines, 2015. Collection method: clinical testing. Allele origin: germline.
Comment: The GJA1 c.604C>T variant is predicted to result in the amino acid substitution p.Arg202Cys. This variant was reported in the homozygous state in two siblings with typical features of oculodentodigital dysplasia (Family 2, Machado et al. 2023. PubMed ID: 36396593). This variant is reported in 0.0029% of alleles in individuals of Latino descent in gnomAD; however, this variant falls within a highly paralogous region therefore allele frequency data should be interpreted with caution. An alternative nucleotide change affecting the same amino acid (p.Arg202His) has been previously reported in individuals with oculodentodigital dysplasia (Paznekas et al. 2003. PubMed ID: 12457340; Fenwick et al. 2008. PubMed ID: 18946008; Shibayama et al. 2005. PubMed ID: 15879313). Although we suspect that this variant may be pathogenic, at this time, the clinical significance of this variant is uncertain due to the absence of conclusive functional and genetic evidence.

Ambry Genetics
Classification: Likely pathogenic for Inborn genetic diseases. Last evaluated: 2016-07-13. Review status: criteria provided, single submitter. Criteria: Ambry exome assertion method (8-5-2015). Collection method: clinical testing. Allele origin: germline. Affected: yes. Observed: 1 variant allele.

Literature cited by the submitters: PubMed 11146276 (cited by Ambry Genetics); PubMed 8970160 (cited by Ambry Genetics); PubMed 15879313 (cited by Ambry Genetics); PubMed 12861055 (cited by Ambry Genetics); PubMed 8576861 (cited by Ambry Genetics).